The following is an entry in ClinVar:

ClinVar aggregate classification (germline): Uncertain significance (1 of 4 stars; one submission).

Allele frequency attached by ClinVar (database versions not stated): gnomAD exomes below 0.00001.
gnomAD v4.1: 5 of 1,614,210 alleles (0.00031%); highest among the groups gnomAD compares: South Asian, 0.0011%; no homozygotes.

Submission:

Labcorp Genetics (formerly Invitae), Labcorp
Classification: Uncertain significance. Last evaluated: 2021-09-01. Review status: criteria provided, single submitter. Criteria: Invitae Variant Classification Sherloc (09022015). Collection method: clinical testing. Allele origin: germline.
Comment: This sequence change replaces glutamine with arginine at codon 494 of the LAMC3 protein (p.Gln494Arg). The glutamine residue is weakly conserved and there is a small physicochemical difference between glutamine and arginine. This variant is not present in population databases (ExAC no frequency). This variant has not been reported in the literature in individuals affected with LAMC3-related conditions. Algorithms developed to predict the effect of missense changes on protein structure and function output the following: SIFT: "Tolerated"; PolyPhen-2: "Benign"; Align-GVGD: "Class C0". The arginine amino acid residue is found in multiple mammalian species, which suggests that this missense change does not adversely affect protein function. In summary, the available evidence is currently insufficient to determine the role of this variant in disease. Therefore, it has been classified as a Variant of Uncertain Significance.

NM_006059.4(LAMC3):c.1481A>G (p.Gln494Arg)

Gene: LAMC3 (laminin subunit gamma 3; plus strand). Cytogenetic location: 9q34.12.
Variant type: single nucleotide variant.
Coding change: c.1481A>G on transcript NM_006059.4 (MANE Select); coding-DNA position 1481, A replaced by G.
Protein change: p.Gln494Arg; replaces glutamine 494 with arginine.
Molecular consequence: missense variant.
Genome position (GRCh38, 1-based): chr9:131,045,622, A>G. VCF-style: chr9-131045622-A-G. GRCh37 (hg19) VCF-style: chr9-133921009-A-G.
Other names: short protein forms Q494R.
Identifiers: ClinVar variation 1394371 (VCV001394371.5), dbSNP rs1564374045, ClinGen allele CA375261927.